The following is an entry in ClinVar:

ClinVar aggregate classification (germline): Uncertain significance (1 of 4 stars; one submission).

Conditions:
Cataract 19 multiple types. Also called: CATARACT 19, CORTICAL PULVERULENT; CATARACT 19, CONGENITAL TOTAL. Identifiers: Orphanet 91492, MedGen C3809004, MONDO:0014111, OMIM 615277.

gnomAD v4.1: 1 of 1,614,242 alleles (0.000062%); highest among the groups gnomAD compares: Non-Finnish European, 0.000085%; no homozygotes.

Submission:

Labcorp Genetics (formerly Invitae), Labcorp
Classification: Uncertain significance for Cataract 19 multiple types. Last evaluated: 2023-10-13. Review status: criteria provided, single submitter. Criteria: Invitae Variant Classification Sherloc (09022015). Collection method: clinical testing. Allele origin: germline.
Comment: This sequence change replaces arginine, which is basic and polar, with lysine, which is basic and polar, at codon 74 of the LIM2 protein (p.Arg74Lys). This variant is not present in population databases (gnomAD no frequency). This variant has not been reported in the literature in individuals affected with LIM2-related conditions. ClinVar contains an entry for this variant (Variation ID: 1514417). An algorithm developed to predict the effect of missense changes on protein structure and function (PolyPhen-2) suggests that this variant is likely to be tolerated. In summary, the available evidence is currently insufficient to determine the role of this variant in disease. Therefore, it has been classified as a Variant of Uncertain Significance.

NM_001161748.2(LIM2):c.175+46G>A

Genes: LIM2 (lens intrinsic membrane protein 2; minus strand), LIM2-AS1 (LIM2 and SIGLEC10 antisense RNA 1; plus strand). Cytogenetic location: 19q13.41.
Variant type: single nucleotide variant.
Coding change: c.175+46G>A on transcript NM_001161748.2 (MANE Select); 46 bases into the intron after coding-DNA position 175, G replaced by A.
Molecular consequence: intron variant. On other transcripts: missense variant (1).
Genome position (GRCh38, 1-based): chr19:51,387,223, C>T on the plus strand (G>A on the coding strand, the complement: LIM2 is on the minus strand). VCF-style: chr19-51387223-C-T. GRCh37 (hg19) VCF-style: chr19-51890477-C-T.
Other names: c.221G>A, p.Arg74Lys (NM_030657.4); short protein forms R74K.
Identifiers: ClinVar variation 1514417 (VCV001514417.8), dbSNP rs1987086753, ClinGen allele CA407073240.